The following is an entry in ClinVar:

NM_001374385.1(ATP8B1):c.20C>A (p.Ser7Ter)

Gene: ATP8B1 (ATPase phospholipid transporting 8B1; minus strand). Cytogenetic location: 18q21.31.
Variant type: single nucleotide variant.
Coding change: c.20C>A on transcript NM_001374385.1 (MANE Select); coding-DNA position 20, C replaced by A.
Protein change: p.Ser7Ter; replaces serine 7 with a stop codon.
Molecular consequence: nonsense. On other transcripts: 5 prime UTR variant (1).
Genome position (GRCh38, 1-based): chr18:57,731,788, G>T on the plus strand (C>A on the coding strand, the complement: ATP8B1 is on the minus strand). VCF-style: chr18-57731788-G-T. GRCh37 (hg19) VCF-style: chr18-55399020-G-T.
Other names: c.-33C>A (NM_001374386.1); c.20C>A, p.Ser7Ter (NM_005603.6); short protein forms S7*.
Identifiers: ClinVar variation 4846288 (VCV004846288.1).

ClinVar aggregate classification (germline): Pathogenic (1 of 4 stars; one submission).

Conditions:
Familial intrahepatic cholestasis. Identifiers: Orphanet 284385, MedGen CN296401, MONDO:0017290.

Submission:

Genomenon, Inc
Classification: Pathogenic for Familial intrahepatic cholestasis. Last evaluated: 2026-04-14. Review status: criteria provided, single submitter. Criteria: Genomenon Sequence Variant Interpretation Standards - Updated. Collection method: curation. Allele origin: germline. Affected: yes.
Comment: ATP8B1 p.Ser7Ter (c.20C>A) is a nonsense variant that introduces a premature stop codon at amino acid position 7, creating a truncated protein that may be subject to nonsense-mediated mRNA decay. This variant has been observed in at least one proband with features of ATP8B1-deficiency (PMID:34961929). It is absent or not present at a significant frequency in gnomAD. In conclusion, we classify ATP8B1 p.Ser7Ter (c.20C>A) as a pathogenic variant.

Literature cited by the submitters: PubMed 34961929.